The following is an entry in ClinVar:

NM_138773.4(SLC25A46):c.11_12insTG (p.Arg5fs)

Gene: SLC25A46 (solute carrier family 25 member 46; plus strand). Cytogenetic location: 5q22.1.
Variant type: Insertion.
Coding change: c.11_12insTG on transcript NM_138773.4 (MANE Select); coding-DNA positions 11 to 12, TG inserted.
Protein change: p.Arg5fs; shifts the reading frame from arginine 5.
Molecular consequence: frameshift variant. On other transcripts: non-coding transcript variant (1), intron variant (1).
Genome position: GRCh38 VCF-style: chr5-110739129-C-CGT. GRCh37 (hg19) VCF-style: chr5-110074830-C-CGT.
Other names: c.11_12insTG, p.Arg5fs (NM_001303249.3); c.10+883_10+884insTG (NM_001303250.3); short protein forms R5fs.
Identifiers: ClinVar variation 422422 (VCV000422422.10), dbSNP rs1064795772, ClinGen allele CA16618060.

ClinVar aggregate classification (germline): Pathogenic. Review status: criteria provided, multiple submitters, no conflicts (2 of 4 stars). 4 submissions from 4 submitters: Pathogenic (4). Last evaluated 2023-09-08.

Conditions:
Pontocerebellar hypoplasia, type 1E. Identifiers: MedGen C5543328, MONDO:0030260, OMIM 619303.
Neuropathy, hereditary motor and sensory, type 6B (HMSN6B). Also called: HMSN VIB; CHARCOT-MARIE-TOOTH DISEASE, TYPE 6B; Neuropathy, hereditary motor and sensory, type VIB; NEUROPATHY, HEREDITARY MOTOR AND SENSORY, TYPE VIB, WITH OPTIC ATROPHY. Identifiers: MedGen C4225302, MONDO:0014671, OMIM 616505.
Inborn genetic diseases. Identifiers: MedGen C0950123, MeSH D030342.

Submissions (4):

Clinical Genomics Laboratory, Washington University in St. Louis
Classification: Pathogenic for Pontocerebellar hypoplasia, type 1E; Neuropathy, hereditary motor and sensory, type 6B. Last evaluated: 2023-09-08. Review status: criteria provided, single submitter. Criteria: ACMG Guidelines, 2015. Collection method: clinical testing. Allele origin: germline. Affected: yes.
Comment: The SLC25A46 c.11_12insTG (p.Arg5GlyfsTer40) variant, to our knowledge, has not been reported in the medical literature and is absent from the general population (gnomAD v.2.1.1), indicating it is not a common variant. The variant causes a frameshift by inserting two nucleotides, leading to a premature termination codon, which is predicted to lead to nonsense mediated decay. This variant has been reported in the ClinVar database as a pathogenic variant by three submitters. Based on available information and the ACMG/AMP guidelines for variant interpretation (Richards S et al., PMID: 25741868), this variant is classified as pathogenic.

Labcorp Genetics (formerly Invitae), Labcorp
Classification: Pathogenic for Neuropathy, hereditary motor and sensory, type 6B. Last evaluated: 2022-03-21. Review status: criteria provided, single submitter. Criteria: Invitae Variant Classification Sherloc (09022015). Collection method: clinical testing. Allele origin: germline.
Comment: For these reasons, this variant has been classified as Pathogenic. ClinVar contains an entry for this variant (Variation ID: 422422). This variant has not been reported in the literature in individuals affected with SLC25A46-related conditions. This variant is not present in population databases (gnomAD no frequency). This sequence change creates a premature translational stop signal (p.Arg5Glyfs*40) in the SLC25A46 gene. It is expected to result in an absent or disrupted protein product. Loss-of-function variants in SLC25A46 are known to be pathogenic (PMID: 26168012, 26951855, 27543974).

Ambry Genetics
Classification: Pathogenic for Inborn genetic diseases. Last evaluated: 2021-12-21. Review status: criteria provided, single submitter. Criteria: Ambry Variant Classification Scheme 2023. Collection method: clinical testing. Allele origin: germline.
Comment: The c.11_12insTG pathogenic mutation, located in coding exon 1 of the SLC25A46 gene, results from an insertion of two nucleotides at position 11, causing a translational frameshift with a predicted alternate stop codon (p.R5Gfs*40). This variant is considered to be rare based on population cohorts in the Genome Aggregation Database (gnomAD). This alteration is expected to result in loss of function by premature protein truncation or nonsense-mediated mRNA decay. As such, this alteration is interpreted as a disease-causing mutation.

GeneDx
Classification: Pathogenic. Last evaluated: 2016-10-19. Review status: criteria provided, single submitter. Criteria: GeneDx Variant Classification (06012015). Collection method: clinical testing. Allele origin: germline. Affected: yes.
Comment: The c.11_12insTG variant in the SLC25A46 gene has not been reported previously as a pathogenic variant nor as a benign variant, to our knowledge. The c.11_12insTG variant causes a frameshift starting with codon Arginine 5, changes this amino acid to a Glycine residue, and creates a premature Stop codon at position 40 of the new reading frame, denoted p.Arg5GlyfsX40. This variant is predicted to cause loss of normal protein function either through protein truncation or nonsense-mediated mRNA decay. The c.11_12insTG variant was not observed in approximately 5800 individuals of European and African American ancestry in the NHLBI Exome Sequencing Project, indicating it is not a common benign variant in these populations. We interpret c.11_12insTG as a pathogenic variant.

Literature cited by the submitters: PubMed 26168012 (cited by Labcorp Genetics (formerly Invitae), Labcorp); PubMed 26951855 (cited by Labcorp Genetics (formerly Invitae), Labcorp); PubMed 27543974 (cited by Labcorp Genetics (formerly Invitae), Labcorp).